The following is an entry in ClinVar:

NM_000090.4(COL3A1):c.2690G>T (p.Gly897Val)

Gene: COL3A1 (collagen type III alpha 1 chain; plus strand). Cytogenetic location: 2q32.2.
Variant type: single nucleotide variant.
Coding change: c.2690G>T on transcript NM_000090.4 (MANE Select); coding-DNA position 2690, G replaced by T.
Protein change: p.Gly897Val; replaces glycine 897 with valine.
Molecular consequence: missense variant.
Genome position (GRCh38, 1-based): chr2:189,004,010, G>T. VCF-style: chr2-189004010-G-T. GRCh37 (hg19) VCF-style: chr2-189868736-G-T.
Other names: short protein forms G897V.
Identifiers: ClinVar variation 3495456 (VCV003495456.1).

ClinVar aggregate classification (germline): Likely pathogenic (1 of 4 stars; one submission).

Conditions:
Familial thoracic aortic aneurysm and aortic dissection (TAAD). Also called: Thoracic aortic aneurysms and dissections. Identifiers: Orphanet 91387, MedGen C4707243, MONDO:0019625.

Submission:

Ambry Genetics
Classification: Likely pathogenic for Familial thoracic aortic aneurysm and aortic dissection. Last evaluated: 2024-07-29. Review status: criteria provided, single submitter. Criteria: Ambry Variant Classification Scheme 2023. Collection method: clinical testing. Allele origin: germline.
Comment: The p.G897V variant (also known as c.2690G>T), located in coding exon 39 of the COL3A1 gene, results from a G to T substitution at nucleotide position 2690. The glycine at codon 897 is replaced by valine, an amino acid with dissimilar properties. The majority (approximately two-thirds) ofCOL3A1mutations identified to date have involved the substitution of another amino acid for glycine within the triple-helical domain (PepinMG et al.GenetMed.2014;16(12):881-8; Frank M et al.Eur J Hum Genet. 2015;23(12):1657-64). Internal structural analysis indicates that this alteration disrupts the characteristic G-X-Y motif in theCOL3A1protein and inserts a bulky side chain into asterically-constrainedregion (Bella J et al.Science.1994;266:75-81;HohenesterE et al.Proc. Natl.Acad. Sci. U.S.A.2008;105:18273-7; Ambry internal data). This amino acid position is highly conserved in available vertebrate species. In addition, this alteration is predicted to be deleterious by in silico analysis. This variant is considered to be rare based on population cohorts in the Genome Aggregation Database (gnomAD). Based on the majority of available evidence to date, this variant is likely to be pathogenic.